The following is an entry in ClinVar:

NM_201384.3(PLEC):c.4045-4A>G

Gene: PLEC (plectin; minus strand). Cytogenetic location: 8q24.3.
Variant type: single nucleotide variant.
Coding change: c.4045-4A>G on transcript NM_201384.3 (MANE Select); 4 bases into the intron before coding-DNA position 4045, A replaced by G.
Molecular consequence: intron variant.
Genome position (GRCh38, 1-based): chr8:143,925,888, T>C on the plus strand (A>G on the coding strand, the complement: PLEC is on the minus strand). VCF-style: chr8-143925888-T-C. GRCh37 (hg19) VCF-style: chr8-145000056-T-C.
Other names: p.?; c.4126-4A>G (NM_000445.5); c.4003-4A>G (NM_201378.4); c.3979-4A>G (NM_201379.3); c.4456-4A>G (NM_201380.4); c.3949-4A>G (NM_201381.3); c.4045-4A>G (NM_201382.4); c.4057-4A>G (NM_201383.3).
Identifiers: ClinVar variation 93049 (VCV000093049.28), dbSNP rs7002152, ClinGen allele CA146364.

ClinVar aggregate classification (germline): Benign. Review status: criteria provided, multiple submitters, no conflicts (2 of 4 stars). 16 submissions from 12 submitters: Benign (13). 3 of the submissions do not count toward it. Last evaluated 2026-02-04.

Conditions:
Autosomal recessive limb-girdle muscular dystrophy type 2Q (LGMDR17). Also called: MUSCULAR DYSTROPHY, LIMB-GIRDLE, AUTOSOMAL RECESSIVE 17. Identifiers: Orphanet 254361, MedGen C3150989, MONDO:0013390, OMIM 613723.
Epidermolysis bullosa simplex 5C, with pyloric atresia (EBS5C). Also called: PLEC-Related Epidermolysis Bullosa with Pyloric Atresia; Epidermolysis bullosa simplex with pyloric atresia; PLEC1-Related Epidermolysis Bullosa with Pyloric Atresia. Identifiers: Orphanet 158684, MedGen C2677349, MONDO:0012807, OMIM 612138.
Epidermolysis bullosa simplex 5B, with muscular dystrophy (EBS5B). Also called: EPIDERMOLYSIS BULLOSA SIMPLEX AND LIMB-GIRDLE MUSCULAR DYSTROPHY; Epidermolysis bullosa simplex with muscular dystrophy. Identifiers: Orphanet 257, MedGen C2931072, MONDO:0009181, OMIM 226670.
Epidermolysis bullosa simplex with nail dystrophy (EBS5D). Identifiers: MedGen C4225309, MONDO:0014661, OMIM 616487.
Epidermolysis bullosa simplex, Ogna type (EBS5A). Also called: EPIDERMOLYSIS BULLOSA SIMPLEX 5A, OGNA TYPE; Pidermolysis bullosa simplex 5A, Ogna type. Identifiers: Orphanet 79401, MedGen C0432317, MONDO:0007555, OMIM 131950.

Allele frequency attached by ClinVar (database versions not stated): ESP Exome Variant Server 0.22096; 1000 Genomes Project 30x 0.22939; 1000 Genomes Project 0.23103; TOPMed 0.28170; gnomAD 0.29962 and 0.30144; gnomAD exomes 0.33560; ExAC 0.39123.
gnomAD v4.1: 598,409 of 1,540,612 alleles (39%); highest among the groups gnomAD compares: Non-Finnish European, 42%; 122,568 homozygotes.

Submissions (16):

Labcorp Genetics (formerly Invitae), Labcorp
Classification: Benign for Autosomal recessive limb-girdle muscular dystrophy type 2Q; Epidermolysis bullosa simplex, Ogna type; Epidermolysis bullosa simplex with nail dystrophy; Epidermolysis bullosa simplex 5C, with pyloric atresia; Epidermolysis bullosa simplex 5B, with muscular dystrophy. Last evaluated: 2026-02-04. Review status: criteria provided, single submitter. Criteria: Invitae Variant Classification Sherloc (09022015). Collection method: clinical testing. Allele origin: germline.

Blueprint Genetics
Classification: Benign. Last evaluated: 2024-11-27. Review status: criteria provided, single submitter. Criteria: ACMG Guidelines, 2015. Collection method: clinical testing. Allele origin: germline.

Genome-Nilou Lab
Classification: Benign for Epidermolysis bullosa simplex with nail dystrophy. Last evaluated: 2021-10-25. Review status: criteria provided, single submitter. Criteria: ACMG Guidelines, 2015. Collection method: clinical testing. Allele origin: germline. Affected: no.

Genome-Nilou Lab
Classification: Benign for Epidermolysis bullosa simplex, Ogna type. Last evaluated: 2021-10-25. Review status: criteria provided, single submitter. Criteria: ACMG Guidelines, 2015. Collection method: clinical testing. Allele origin: germline. Affected: no.

Genome-Nilou Lab
Classification: Benign for Epidermolysis bullosa simplex 5B, with muscular dystrophy. Last evaluated: 2021-10-25. Review status: criteria provided, single submitter. Criteria: ACMG Guidelines, 2015. Collection method: clinical testing. Allele origin: germline. Affected: no.

Genome-Nilou Lab
Classification: Benign for Epidermolysis bullosa simplex 5C, with pyloric atresia. Last evaluated: 2021-10-25. Review status: criteria provided, single submitter. Criteria: ACMG Guidelines, 2015. Collection method: clinical testing. Allele origin: germline. Affected: no.

Genome-Nilou Lab
Classification: Benign for Autosomal recessive limb-girdle muscular dystrophy type 2Q. Last evaluated: 2021-10-25. Review status: criteria provided, single submitter. Criteria: ACMG Guidelines, 2015. Collection method: clinical testing. Allele origin: germline. Affected: no.

Mayo Clinic Laboratories, Mayo Clinic
Classification: Benign. Last evaluated: 2017-12-01. Review status: criteria provided, single submitter. Criteria: ACMG Guidelines, 2015. Collection method: clinical testing. Allele origin: germline. Observed: 782 variant alleles.

PreventionGenetics, part of Exact Sciences
Classification: Benign. Last evaluated: 2016-03-28. Review status: criteria provided, single submitter. Criteria: ACMG Guidelines, 2015. Collection method: clinical testing. Allele origin: germline.

GeneDx
Classification: Benign. Last evaluated: 2016-01-05. Review status: criteria provided, single submitter. Criteria: GeneDx Variant Classification (06012015). Collection method: clinical testing. Allele origin: germline. Affected: yes.
Comment: This variant is considered likely benign or benign based on one or more of the following criteria: it is a conservative change, it occurs at a poorly conserved position in the protein, it is predicted to be benign by multiple in silico algorithms, and/or has population frequency not consistent with disease.

Laboratory for Molecular Medicine, Mass General Brigham Personalized Medicine
Classification: Benign. Last evaluated: 2015-01-13. Review status: criteria provided, single submitter. Criteria: LMM Criteria. Collection method: clinical testing. Allele origin: germline. Observed: 9 variant alleles.
Comment: c.4456-4A>G in intron 30 of PLEC: This variant is not expected to have clinical significance because it is not located within the conserved splice consensus seq uence. It has been identified in 29.8% (2142/7200) of European American chromoso mes from a broad population by the NHLBI Exome Sequencing Project (.; dbSNP rs7002152).

Eurofins Ntd Llc (ga)
Classification: Benign. Last evaluated: 2013-04-18. Review status: criteria provided, single submitter. Criteria: EGL Classification Definitions 2015. Collection method: clinical testing. Allele origin: germline. Observed: 21 variant alleles, 18 heterozygotes, 3 homozygotes.

Breakthrough Genomics
Classification: Benign. Review status: criteria provided, single submitter. Criteria: ACMG Guidelines, 2015. Collection method: not provided. Allele origin: germline. Inheritance: Autosomal recessive inheritance. Affected: yes.

Clinical Genetics, Academic Medical Center
Classification: Benign. Review status: no assertion criteria provided. Collection method: clinical testing. Allele origin: germline. Affected: yes. Study: VKGL Data-share Consensus. Not counted in ClinVar's aggregate classification.

Genetic Services Laboratory, University of Chicago
Classification: Likely benign for AllHighlyPenetrant. Review status: no assertion criteria provided. Collection method: clinical testing. Allele origin: germline. Inheritance: Autosomal recessive inheritance. Not counted in ClinVar's aggregate classification.
Comment: Likely benign based on allele frequency in 1000 Genomes Project or ESP global frequency and its presence in a patient with a rare or unrelated disease phenotype. NOT Sanger confirmed.

Genome Diagnostics Laboratory, University Medical Center Utrecht
Classification: Benign. Review status: no assertion criteria provided. Collection method: clinical testing. Allele origin: germline. Affected: yes. Study: VKGL Data-share Consensus. Not counted in ClinVar's aggregate classification.